The following is an entry in ClinVar:

NM_004994.3(MMP9):c.2089G>A (p.Val697Met)

Genes: MMP9 (matrix metallopeptidase 9; plus strand), SLC12A5-AS1 (SLC12A5 and MMP9 antisense RNA 1; minus strand). Cytogenetic location: 20q13.12.
Variant type: single nucleotide variant.
Coding change: c.2089G>A on transcript NM_004994.3 (MANE Select); coding-DNA position 2089, G replaced by A.
Protein change: p.Val697Met; replaces valine 697 with methionine.
Molecular consequence: missense variant.
Genome position (GRCh38, 1-based): chr20:46,016,333, G>A. VCF-style: chr20-46016333-G-A. GRCh37 (hg19) VCF-style: chr20-44644972-G-A.
Other names: short protein forms V697M.
Identifiers: ClinVar variation 1035934 (VCV001035934.9), dbSNP rs111366278, ClinGen allele CA9886900.
Genomic context (GRCh38, chr20:46,016,333, plus strand): 5'-CGCTTCTACTGGCGCGTGAGTTCCCGGAGTGAGTTGAACCAGGTGGACCAAGTGGGCTAC[G>A]TGACCTATGACATCCTGCAGTGCCCTGAGGACTAGGGCTCCCGTCCTGCTTTGGCAGTGC-3'
Protein context (NP_004985.2, residues 687-707): ELNQVDQVGY[Val697Met]TYDILQCPED

ClinVar aggregate classification (germline): Uncertain significance. Review status: criteria provided, multiple submitters, no conflicts (2 of 4 stars). 2 submissions from 2 submitters: Uncertain significance (2). Last evaluated 2024-10-18.

Conditions:
Metaphyseal anadysplasia 2 (MANDP2). Also called: Metaphyseal anadysplasia 2, autosomal recessive. Identifiers: Orphanet 1040, MedGen C2751322, MONDO:0013113, OMIM 613073.

Allele frequency attached by ClinVar (database versions not stated): ExAC 0.00005; gnomAD exomes 0.00005 and 0.00009; gnomAD 0.00007; TOPMed 0.00007.
gnomAD v4.1: 143 of 1,614,196 alleles (0.0089%); highest among the groups gnomAD compares: Non-Finnish European, 0.011%; no homozygotes.

Submissions (2):

Labcorp Genetics (formerly Invitae), Labcorp
Classification: Uncertain significance. Last evaluated: 2024-10-18. Review status: criteria provided, single submitter. Criteria: Invitae Variant Classification Sherloc (09022015). Collection method: clinical testing. Allele origin: germline.
Comment: This sequence change replaces valine, which is neutral and non-polar, with methionine, which is neutral and non-polar, at codon 697 of the MMP9 protein (p.Val697Met). This variant is present in population databases (rs111366278, gnomAD 0.01%). This variant has not been reported in the literature in individuals affected with MMP9-related conditions. ClinVar contains an entry for this variant (Variation ID: 1035934). Invitae Evidence Modeling of protein sequence and biophysical properties (such as structural, functional, and spatial information, amino acid conservation, physicochemical variation, residue mobility, and thermodynamic stability) indicates that this missense variant is not expected to disrupt MMP9 protein function with a negative predictive value of 80%. In summary, the available evidence is currently insufficient to determine the role of this variant in disease. Therefore, it has been classified as a Variant of Uncertain Significance.

Fulgent Genetics
Classification: Uncertain significance for Metaphyseal anadysplasia 2. Last evaluated: 2021-07-27. Review status: criteria provided, single submitter. Criteria: ACMG Guidelines, 2015. Collection method: clinical testing. Allele origin: unknown.